The following is an entry in ClinVar:

ClinVar aggregate classification (germline): Uncertain significance (1 of 4 stars; one submission).

gnomAD v4.1: 1 of 1,209,422 alleles (0.000083%); highest among the groups gnomAD compares: African/African-American, 0.0017%; no homozygotes.

Submission:

GeneDx
Classification: Uncertain significance. Last evaluated: 2024-01-24. Review status: criteria provided, single submitter. Criteria: GeneDx Variant Classification Process June 2021. Collection method: clinical testing. Allele origin: germline. Affected: yes.
Comment: Not observed at significant frequency in large population cohorts (gnomAD); In silico analysis supports that this missense variant has a deleterious effect on protein structure/function; Has not been previously published as pathogenic or benign to our knowledge

NM_001039591.3(USP9X):c.6737A>T (p.Gln2246Leu)

Gene: USP9X (ubiquitin specific peptidase 9 X-linked; plus strand). Cytogenetic location: Xp11.4.
Variant type: single nucleotide variant.
Coding change: c.6737A>T on transcript NM_001039591.3 (MANE Select); coding-DNA position 6737, A replaced by T.
Protein change: p.Gln2246Leu; replaces glutamine 2246 with leucine.
Molecular consequence: missense variant.
Genome position (GRCh38, 1-based): chrX:41,223,388, A>T. VCF-style: chrX-41223388-A-T. GRCh37 (hg19) VCF-style: chrX-41082641-A-T.
Other names: c.6737A>T, p.Gln2246Leu (NM_001039590.3); c.6752A>T, p.Gln2251Leu (NM_001410748.1, NM_001410749.1); short protein forms Q2246L, Q2251L.
Identifiers: ClinVar variation 3368085 (VCV003368085.1).